The following is an entry in ClinVar:

NM_002332.3(LRP1):c.10733G>A (p.Ser3578Asn)

Gene: LRP1 (LDL receptor related protein 1; plus strand). Cytogenetic location: 12q13.3.
Variant type: single nucleotide variant.
Coding change: c.10733G>A on transcript NM_002332.3 (MANE Select); coding-DNA position 10733, G replaced by A.
Protein change: p.Ser3578Asn; replaces serine 3578 with asparagine.
Molecular consequence: missense variant.
Genome position (GRCh38, 1-based): chr12:57,203,202, G>A. VCF-style: chr12-57203202-G-A. GRCh37 (hg19) VCF-style: chr12-57596985-G-A.
Other names: short protein forms S3578N.
Identifiers: ClinVar variation 4976594 (VCV004976594.1).

ClinVar aggregate classification (germline): Uncertain significance (1 of 4 stars; one submission).

Submission:

GeneDx
Classification: Uncertain significance. Last evaluated: 2022-05-12. Review status: criteria provided, single submitter. Criteria: GeneDx Variant Classification Process June 2021. Collection method: clinical testing. Allele origin: germline.
Comment: Not observed at significant frequency in large population cohorts (gnomAD); In silico analysis supports that this missense variant does not alter protein structure/function; Has not been previously published as pathogenic or benign to our knowledge; Variants in candidate genes are classified as variants of uncertain significance in accordance with ACMG guidelines (Richards et al., 2015)